The following is an entry in ClinVar:

ClinVar aggregate classification (germline): Uncertain significance. Review status: criteria provided, multiple submitters, no conflicts (2 of 4 stars). 3 submissions from 3 submitters: Uncertain significance (3). Last evaluated 2025-09-25.

Conditions:
Cardiovascular phenotype. Identifiers: MedGen CN230736.
Long QT syndrome (LQTS). Identifiers: MedGen C0023976, MeSH D008133, MONDO:0002442. Disease mechanism: loss of function. Inheritance: Various modes of inheritance.

Allele frequency attached by ClinVar (database versions not stated): gnomAD exomes 0.00002; gnomAD 0.00001; TOPMed 0.00001; ExAC 0.00002.
gnomAD v4.1: 33 of 1,613,526 alleles (0.002%); highest among the groups gnomAD compares: Non-Finnish European, 0.0027%; no homozygotes.

Submissions (3):

Ambry Genetics
Classification: Uncertain significance for Cardiovascular phenotype. Last evaluated: 2025-09-25. Review status: criteria provided, single submitter. Criteria: Ambry Variant Classification Scheme 2023. Collection method: clinical testing. Allele origin: germline.
Comment: The p.H3614R variant (also known as c.10841A>G), located in coding exon 40 of the ANK2 gene, results from an A to G substitution at nucleotide position 10841. The histidine at codon 3614 is replaced by arginine, an amino acid with highly similar properties. This amino acid position is conserved. In addition, this alteration is predicted to be deleterious by in silico analysis. Based on the available evidence, the clinical significance of this variant remains unclear.

Labcorp Genetics (formerly Invitae), Labcorp
Classification: Uncertain significance for Long QT syndrome. Last evaluated: 2024-11-24. Review status: criteria provided, single submitter. Criteria: Invitae Variant Classification Sherloc (09022015). Collection method: clinical testing. Allele origin: germline.
Comment: This sequence change replaces histidine, which is basic and polar, with arginine, which is basic and polar, at codon 3614 of the ANK2 protein (p.His3614Arg). This variant is present in population databases (rs757161574, gnomAD 0.005%). This variant has not been reported in the literature in individuals affected with ANK2-related conditions. ClinVar contains an entry for this variant (Variation ID: 452970). Invitae Evidence Modeling of protein sequence and biophysical properties (such as structural, functional, and spatial information, amino acid conservation, physicochemical variation, residue mobility, and thermodynamic stability) has been performed for this missense variant. However, the output from this modeling did not meet the statistical confidence thresholds required to predict the impact of this variant on ANK2 protein function. In summary, the available evidence is currently insufficient to determine the role of this variant in disease. Therefore, it has been classified as a Variant of Uncertain Significance.

GeneDx
Classification: Uncertain significance. Last evaluated: 2019-04-12. Review status: criteria provided, single submitter. Criteria: GeneDx Variant Classification Process June 2021. Collection method: clinical testing. Allele origin: germline. Affected: yes.
Comment: In silico analysis, which includes protein predictors and evolutionary conservation, supports a deleterious effect; Has not been previously published as pathogenic or benign to our knowledge

NM_001148.6(ANK2):c.10841A>G (p.His3614Arg)

Gene: ANK2 (ankyrin 2; plus strand). Cytogenetic location: 4q26.
Variant type: single nucleotide variant.
Coding change: c.10841A>G on transcript NM_001148.6 (MANE Select); coding-DNA position 10841, A replaced by G.
Protein change: p.His3614Arg; replaces histidine 3614 with arginine.
Molecular consequence: missense variant.
Genome position (GRCh38, 1-based): chr4:113,363,422, A>G. VCF-style: chr4-113363422-A-G. GRCh37 (hg19) VCF-style: chr4-114284578-A-G.
Other names: c.4559A>G, p.His1520Arg (NM_001127493.3); c.4598A>G, p.His1533Arg (NM_001354225.2); c.4487A>G, p.His1496Arg (NM_001354228.2, NM_001354258.2); c.4565A>G, p.His1522Arg (NM_001354230.2); c.4628A>G, p.His1543Arg (NM_001354231.2, NM_001354242.2); c.4622A>G, p.His1541Arg (NM_001354232.2); c.4583A>G, p.His1528Arg (NM_001354235.2, NM_001354246.2, NM_001354265.2); c.4484A>G, p.His1495Arg (NM_001354236.2); and 35 more; short protein forms H1520R, H3614R, H1429R, H1442R, H1458R, H1496R, H1507R, H1512R.
Identifiers: ClinVar variation 452970 (VCV000452970.7), dbSNP rs757161574, ClinGen allele CA3052142.
Genomic context (GRCh38, chr4:113,363,422, plus strand): 5'-CTGAGGAGCAAATTCATCAAATTCGAATTGAAAATCCCAACTCTCTTCAAGACCAGAGTC[A>G]TGCACTGTTGAAGTACTGGCTAGAGAGGGATGGGAAACATGCTACAGGTAAGTGGGGAAC-3'
Protein context (NP_001139.3, residues 3604-3624): ENPNSLQDQS[His3614Arg]ALLKYWLERD